The following is an entry in ClinVar:

NM_021098.3(CACNA1H):c.6601G>A (p.Glu2201Lys)

Gene: CACNA1H (calcium voltage-gated channel subunit alpha1 H; plus strand). Cytogenetic location: 16p13.3.
Variant type: single nucleotide variant.
Coding change: c.6601G>A on transcript NM_021098.3 (MANE Select); coding-DNA position 6601, G replaced by A.
Protein change: p.Glu2201Lys; replaces glutamic acid 2201 with lysine.
Molecular consequence: missense variant.
Genome position (GRCh38, 1-based): chr16:1,220,533, G>A. VCF-style: chr16-1220533-G-A. GRCh37 (hg19) VCF-style: chr16-1270533-G-A.
Other names: c.6583G>A, p.Glu2195Lys (NM_001005407.2); short protein forms E2195K, E2201K.
Identifiers: ClinVar variation 1009861 (VCV001009861.9), dbSNP rs1456584884, ClinGen allele CA394150044.

ClinVar aggregate classification (germline): Uncertain significance. Review status: criteria provided, multiple submitters, no conflicts (2 of 4 stars). 2 submissions from 2 submitters: Uncertain significance (2). Last evaluated 2022-01-29.

Conditions:
Hyperaldosteronism, familial, type IV (HALD4). Also called: FH IV; ALDOSTERONISM, PRIMARY, AND HYPERTENSION. Identifiers: Orphanet 642671, MedGen C4310756, MONDO:0014875, OMIM 617027.
Epilepsy, childhood absence, susceptibility to, 6. Identifiers: Orphanet 64280, MedGen C2749872, MONDO:0012763, OMIM 611942.
Idiopathic generalized epilepsy. Also called: Generalised epilepsy; EIG. Identifiers: MedGen C0270850, MONDO:0005579, OMIM 600669.

Allele frequency attached by ClinVar (database versions not stated): gnomAD exomes below 0.00001; gnomAD 0.00001.
gnomAD v4.1: 2 of 1,534,238 alleles (0.00013%); highest among the groups gnomAD compares: African/African-American, 0.0014%; no homozygotes.

Submissions (2):

Fulgent Genetics
Classification: Uncertain significance for Epilepsy, childhood absence, susceptibility to, 6; Hyperaldosteronism, familial, type IV. Last evaluated: 2022-01-29. Review status: criteria provided, single submitter. Criteria: ACMG Guidelines, 2015. Collection method: clinical testing. Allele origin: unknown.

Labcorp Genetics (formerly Invitae), Labcorp
Classification: Uncertain significance for Idiopathic generalized epilepsy; Hyperaldosteronism, familial, type IV. Last evaluated: 2020-03-10. Review status: criteria provided, single submitter. Criteria: Invitae Variant Classification Sherloc (09022015). Collection method: clinical testing. Allele origin: germline.
Comment: This sequence change replaces glutamic acid with lysine at codon 2201 of the CACNA1H protein (p.Glu2201Lys). The glutamic acid residue is moderately conserved and there is a small physicochemical difference between glutamic acid and lysine. This variant is not present in population databases (ExAC no frequency). This variant has not been reported in the literature in individuals with CACNA1H-related conditions. Algorithms developed to predict the effect of missense changes on protein structure and function are either unavailable or do not agree on the potential impact of this missense change (SIFT: "Deleterious"; PolyPhen-2: "Possibly Damaging"; Align-GVGD: "Class C0"). In summary, the available evidence is currently insufficient to determine the role of this variant in disease. Therefore, it has been classified as a Variant of Uncertain Significance.